The following is an entry in ClinVar:

ClinVar aggregate classification (germline): Uncertain significance (1 of 4 stars; one submission).

Conditions:
Encephalopathy, acute, infection-induced (herpes-specific), susceptibility to, 1. Also called: Herpes simplex encephalitis, susceptibility to, 1. Identifiers: Orphanet 1930, MedGen C2750180, MONDO:0024563, OMIM 610551.

gnomAD v4.1: 4 of 1,610,326 alleles (0.00025%); highest among the groups gnomAD compares: Non-Finnish European, 0.00034%; no homozygotes.

Submission:

Labcorp Genetics (formerly Invitae), Labcorp
Classification: Uncertain significance for Encephalopathy, acute, infection-induced (herpes-specific), susceptibility to, 1. Last evaluated: 2026-01-18. Review status: criteria provided, single submitter. Criteria: Invitae Variant Classification Sherloc (09022015). Collection method: clinical testing. Allele origin: germline.
Comment: This sequence change replaces aspartic acid, which is acidic and polar, with glycine, which is neutral and non-polar, at codon 641 of the TLR3 protein (p.Asp641Gly). This variant is not present in population databases (gnomAD no frequency). This variant has not been reported in the literature in individuals affected with TLR3-related conditions. An algorithm developed to predict the effect of missense changes on protein structure and function (PolyPhen-2) suggests that this variant is likely to be disruptive. Algorithms developed to predict the effect of sequence changes on RNA splicing suggest that this variant may create or strengthen a splice site. In summary, the available evidence is currently insufficient to determine the role of this variant in disease. Therefore, it has been classified as a Variant of Uncertain Significance.

NM_003265.3(TLR3):c.1922A>G (p.Asp641Gly)

Gene: TLR3 (toll like receptor 3; plus strand). Cytogenetic location: 4q35.1.
Variant type: single nucleotide variant.
Coding change: c.1922A>G on transcript NM_003265.3 (MANE Select); coding-DNA position 1922, A replaced by G.
Protein change: p.Asp641Gly; replaces aspartic acid 641 with glycine.
Molecular consequence: missense variant.
Genome position (GRCh38, 1-based): chr4:186,083,608, A>G. VCF-style: chr4-186083608-A-G. GRCh37 (hg19) VCF-style: chr4-187004762-A-G.
Other names: short protein forms D641G.
Identifiers: ClinVar variation 4706858 (VCV004706858.1).